The following is an entry in ClinVar:

NM_004004.6(GJB2):c.468_472del (p.Met157fs)

Gene: GJB2 (gap junction protein beta 2; minus strand). Cytogenetic location: 13q12.11.
Variant type: Deletion.
Coding change: c.468_472del on transcript NM_004004.6 (MANE Select); coding-DNA positions 468 to 472, 5 bases deleted (CATGT; older notation c.468_472delCATGT).
Protein change: p.Met157fs; shifts the reading frame from methionine 157.
Molecular consequence: frameshift variant.
Genome position (GRCh38, 1-based): chr13:20,189,110-20,189,114, ACATG deleted on the plus strand (CATGT on the coding strand, the reverse complement: GJB2 is on the minus strand); deleting any 5 consecutive bases within chr13:20,189,110-20,189,118 gives the same sequence; the c. name uses the placement nearest the transcript's 3' end. VCF-style (leftmost placement, unchanged base first): chr13-20189109-TACATG-T. GRCh37 (hg19) VCF-style: chr13-20763248-TACATG-T.
Other names: short protein forms M157fs.
Identifiers: ClinVar variation 3601147 (VCV003601147.1).

ClinVar aggregate classification (germline): Pathogenic (1 of 4 stars; one submission).

Conditions:
Autosomal recessive nonsyndromic hearing loss 1A (DFNB1A). Also called: GJB6-Related DFNB 1 Nonsyndromic Hearing Loss and Deafness; Nonsyndromic Hearing Loss and Deafness, DFNB1; GJB2-Related Autosomal Recessive Nonsyndromic Hearing Loss; Deafness, autosomal recessive 1A; Connexin 26 deafness; Deafness nonsyndromic, Connexin 26 linked. Identifiers: Orphanet 90636, MedGen C2673759, MONDO:0009076, OMIM 220290.

Submission:

Institute of Rare Diseases, West China Hospital, Sichuan University
Classification: Pathogenic for Autosomal recessive nonsyndromic hearing loss 1A. Last evaluated: 2025-01-09. Review status: criteria provided, single submitter. Criteria: ClinGen HL ACMG Specifications v1. Collection method: research. Allele origin: germline. Affected: yes.
Comment: PVS1;PM3;PP1;PM2_Supporting